The following is an entry in ClinVar:

ClinVar aggregate classification (germline): Benign. Review status: criteria provided, multiple submitters, no conflicts (2 of 4 stars). 2 submissions from 2 submitters: Benign (2). Last evaluated 2018-06-19.

Allele frequency attached by ClinVar (database versions not stated): 1000 Genomes Project 30x 0.02545; 1000 Genomes Project 0.02556; TOPMed 0.03533; gnomAD 0.03659 and 0.03717; gnomAD exomes 0.05074.
gnomAD v4.1: 72,430 of 1,471,682 alleles (4.9%); highest among the groups gnomAD compares: Non-Finnish European, 5.6%; 1,963 homozygotes.

Submissions (2):

GeneDx
Classification: Benign. Last evaluated: 2018-06-19. Review status: criteria provided, single submitter. Criteria: GeneDx Variant Classification (06012015). Collection method: clinical testing. Allele origin: germline. Affected: yes.
Comment: This variant is considered likely benign or benign based on one or more of the following criteria: it is a conservative change, it occurs at a poorly conserved position in the protein, it is predicted to be benign by multiple in silico algorithms, and/or has population frequency not consistent with disease.

Breakthrough Genomics
Classification: Benign. Review status: criteria provided, single submitter. Criteria: ACMG Guidelines, 2015. Collection method: not provided. Allele origin: germline. Inheritance: Autosomal recessive inheritance. Affected: yes.

NM_001244008.2(KIF1A):c.3375-93C>T

Gene: KIF1A (kinesin family member 1A; minus strand). Cytogenetic location: 2q37.3.
Variant type: single nucleotide variant.
Coding change: c.3375-93C>T on transcript NM_001244008.2 (MANE Select); 93 bases into the intron before coding-DNA position 3375, C replaced by T.
Molecular consequence: intron variant.
Genome position (GRCh38, 1-based): chr2:240,745,610, G>A on the plus strand (C>T on the coding strand, the complement: KIF1A is on the minus strand). VCF-style: chr2-240745610-G-A. GRCh37 (hg19) VCF-style: chr2-241685027-G-A.
Other names: c.3072-93C>T (NM_001379653.1, NM_001379650.1, NM_001379641.1 and 5 more transcripts); c.3348-93C>T (NM_001379645.1, NM_001379633.1, NM_001379642.1); c.3174-93C>T (NM_001379635.1, NM_001330290.2, NM_001379646.1 and 1 more transcripts); c.3069-93C>T (NM_001379640.1); c.3324-93C>T (NM_001379632.1); c.3147-93C>T (NM_001379637.1, NM_001379648.1); c.3099-93C>T (NM_001320705.2, NM_001379638.1, NM_001330289.2); c.3450-93C>T (NM_001379631.1).
Identifiers: ClinVar variation 672932 (VCV000672932.2), dbSNP rs41266979, ClinGen allele CA11142909.
Genomic context (GRCh38, chr2:240,745,610, plus strand): 5'-TGGGGGACTTGGGATGAGACCTTACCAGGTGGAACCCACCTCACACGAGGGCGCTGGGGC[G>A]TTCAGGGCCTGCGGGCTGGGCCAACACAGCACCAACATGGCCTGCTCCCTGCCCAGCACC-3'